The following is an entry in ClinVar:

NM_025136.4(OPA3):c.410A>C (p.Gln137Pro)

Genes: OPA3 (outer mitochondrial membrane lipid metabolism regulator OPA3; minus strand), OPA3-RTN2 (OPA3-RTN2 readthrough; minus strand). Cytogenetic location: 19q13.32.
Variant type: single nucleotide variant.
Coding change: c.410A>C on transcript NM_025136.4 (MANE Select); coding-DNA position 410, A replaced by C.
Protein change: p.Gln137Pro; replaces glutamine 137 with proline.
Molecular consequence: missense variant. On other transcripts: intron variant (1).
Genome position (GRCh38, 1-based): chr19:45,553,644, T>G on the plus strand (A>C on the coding strand, the complement: OPA3 is on the minus strand). VCF-style: chr19-45553644-T-G. GRCh37 (hg19) VCF-style: chr19-46056902-T-G.
Other names: p.Gln137Pro; c.143-24188A>C (NM_001017989.3); short protein forms Q137P.
Identifiers: ClinVar variation 967515 (VCV000967515.10), dbSNP rs372161100, ClinGen allele CA9517398.
Genomic context (GRCh38, chr19:45,553,644, plus strand): 5'-TGCAGCTCTGTGCGCAGTTCCTCCAGGGCGCCCTGTGGCGGCGCCGCCTGCACCTGCGCC[T>G]GCAGCGCTTCCAGCGCCAGCGCCAGGTGGCCCACCTCGTCCCGCAGCGCGTTCCAGGCAG-3'
Protein context (NP_079412.1, residues 127-147): GHLALALEAL[Gln137Pro]AQVQAAPPQG

ClinVar aggregate classification (germline): Uncertain significance. Review status: criteria provided, multiple submitters, no conflicts (2 of 4 stars). 5 submissions from 5 submitters: Uncertain significance (4). 1 of the submissions does not count toward it. Last evaluated 2025-12-22.

Conditions:
Inborn genetic diseases. Identifiers: MedGen C0950123, MeSH D030342.
3-Methylglutaconic aciduria type 3 (MGCA3). Also called: OPA3-Related 3-Methylglutaconic Aciduria; Costeff Syndrome; OPA3, AUTOSOMAL RECESSIVE; OPTIC ATROPHY 3, AUTOSOMAL RECESSIVE. Identifiers: Orphanet 67047, MedGen C0574084, MONDO:0009787, OMIM 258501.
Optic atrophy 3 (OPA3). Also called: Optic atrophy 3 with cataract; Optic atrophy, cataract, and neurologic disorder; OPTIC ATROPHY 3, AUTOSOMAL DOMINANT. Identifiers: Orphanet 67036, MedGen C1833809, MONDO:0008133, OMIM 165300.

Allele frequency attached by ClinVar (database versions not stated): ExAC 0.00004; TOPMed 0.00004; ESP Exome Variant Server 0.00008.
gnomAD v4.1: 70 of 1,605,772 alleles (0.0044%); highest among the groups gnomAD compares: Admixed American, 0.0067%; no homozygotes.

Submissions (5):

Labcorp Genetics (formerly Invitae), Labcorp
Classification: Uncertain significance for 3-Methylglutaconic aciduria type 3; Optic atrophy 3. Last evaluated: 2025-12-22. Review status: criteria provided, single submitter. Criteria: Invitae Variant Classification Sherloc (09022015). Collection method: clinical testing. Allele origin: germline.
Comment: This sequence change replaces glutamine, which is neutral and polar, with proline, which is neutral and non-polar, at codon 137 of the OPA3 protein (p.Gln137Pro). This variant is present in population databases (rs372161100, gnomAD 0.006%). This variant has not been reported in the literature in individuals affected with OPA3-related conditions. ClinVar contains an entry for this variant (Variation ID: 967515). An algorithm developed to predict the effect of missense changes on protein structure and function (PolyPhen-2) suggests that this variant is likely to be disruptive. In summary, the available evidence is currently insufficient to determine the role of this variant in disease. Therefore, it has been classified as a Variant of Uncertain Significance.

Ambry Genetics
Classification: Uncertain significance for Inborn genetic diseases. Last evaluated: 2025-04-10. Review status: criteria provided, single submitter. Criteria: Ambry Variant Classification Scheme 2023. Collection method: clinical testing. Allele origin: germline.

Mayo Clinic Laboratories, Mayo Clinic
Classification: Uncertain significance. Last evaluated: 2024-04-01. Review status: criteria provided, single submitter. Criteria: ACMG Guidelines, 2015. Collection method: clinical testing. Allele origin: germline. Observed: 1 variant allele.
Comment: PM2_moderate

Revvity Omics, Revvity
Classification: Uncertain significance. Last evaluated: 2022-06-08. Review status: criteria provided, single submitter. Criteria: ACMG Guidelines, 2015. Collection method: clinical testing. Allele origin: germline.

Natera, Inc.
Classification: Uncertain significance for 3-methylglutaconic aciduria type 3. Last evaluated: 2020-06-12. Review status: no assertion criteria provided. Collection method: clinical testing. Allele origin: germline. Not counted in ClinVar's aggregate classification.